The following is an entry in ClinVar:

ClinVar aggregate classification (germline): Benign. Review status: reviewed by expert panel (3 of 4 stars). 2 submissions from 2 submitters: Benign (1). 1 of the submissions does not count toward it. Last evaluated 2015-01-12.

Conditions:
Breast-ovarian cancer, familial, susceptibility to, 2 (BROVCA2). Also called: BRCA2 Hereditary Breast and Ovarian Cancer. Identifiers: Orphanet 145, MedGen C2675520, MONDO:0012933, OMIM 612555. Disease mechanism: loss of function.

Allele frequency attached by ClinVar (database versions not stated): 1000 Genomes Project 30x 0.05965; 1000 Genomes Project 0.06110; TOPMed 0.07230; gnomAD 0.08548 and 0.08611.
gnomAD v4.1: 13,107 of 152,180 alleles (8.6%); highest among the groups gnomAD compares: Non-Finnish European, 12%; 784 homozygotes.

Submissions (2):

Evidence-based Network for the Interpretation of Germline Mutant Alleles (ENIGMA)
Classification: Benign for Breast-ovarian cancer, familial 2. Last evaluated: 2015-01-12. Review status: reviewed by expert panel. Criteria: ENIGMA BRCA1/2 Classification Criteria (2015). Collection method: curation. Allele origin: germline.
Comment: Class 1 not pathogenic based on frequency >1% in an outbred sampleset. Frequency 0.0542 (Asian), 0.1332 (European), derived from 1000 genomes (2012-04-30).

Breakthrough Genomics
Classification: Benign. Review status: criteria provided, single submitter. Criteria: ACMG Guidelines, 2015. Collection method: not provided. Allele origin: germline. Inheritance: Autosomal recessive inheritance. Affected: yes. Not counted in ClinVar's aggregate classification.

NM_000059.4(BRCA2):c.7007+3159A>G

Gene: BRCA2 (BRCA2 DNA repair associated; plus strand). Cytogenetic location: 13q13.1.
Variant type: single nucleotide variant.
Coding change: c.7007+3159A>G on transcript NM_000059.4 (MANE Select); 3159 bases into the intron after coding-DNA position 7007, A replaced by G.
Molecular consequence: intron variant.
Genome position (GRCh38, 1-based): chr13:32,350,055, A>G. VCF-style: chr13-32350055-A-G. GRCh37 (hg19) VCF-style: chr13-32924192-A-G.
Other names: IVS 13+3159A>G.
Identifiers: ClinVar variation 209736 (VCV000209736.2), dbSNP rs11571696, ClinGen allele CA276704.